The following is an entry in ClinVar:

NM_002439.5(MSH3):c.1783G>C (p.Asp595His)

Gene: MSH3 (mutS homolog 3; plus strand). Cytogenetic location: 5q14.1.
Variant type: single nucleotide variant.
Coding change: c.1783G>C on transcript NM_002439.5 (MANE Select); coding-DNA position 1783, G replaced by C.
Protein change: p.Asp595His; replaces aspartic acid 595 with histidine.
Molecular consequence: missense variant.
Genome position (GRCh38, 1-based): chr5:80,761,565, G>C. VCF-style: chr5-80761565-G-C. GRCh37 (hg19) VCF-style: chr5-80057384-G-C.
Other names: short protein forms D595H.
Identifiers: ClinVar variation 2814997 (VCV002814997.3), dbSNP rs2112879862, ClinGen allele CA360276506.
Genomic context (GRCh38, chr5:80,761,565, plus strand): 5'-TCCTAACATATCTGATTATTGCTATTACTCTTTTCTCACAGGGAAATAAATGCCCGGCTT[G>C]ATGCTGTATCGGAAGTTCTCCATTCAGAATCTAGTGTGTTTGGTCAGATAGAAAATCATC-3'
Protein context (NP_002430.3, residues 585-605): LKLREINARL[Asp595His]AVSEVLHSES

ClinVar aggregate classification (germline): Uncertain significance (1 of 4 stars; one submission).

Submission:

Labcorp Genetics (formerly Invitae), Labcorp
Classification: Uncertain significance. Last evaluated: 2024-04-15. Review status: criteria provided, single submitter. Criteria: Invitae Variant Classification Sherloc (09022015). Collection method: clinical testing. Allele origin: germline.
Comment: This sequence change replaces aspartic acid, which is acidic and polar, with histidine, which is basic and polar, at codon 595 of the MSH3 protein (p.Asp595His). This variant is not present in population databases (gnomAD no frequency). This variant has not been reported in the literature in individuals affected with MSH3-related conditions. An algorithm developed to predict the effect of missense changes on protein structure and function (PolyPhen-2) suggests that this variant is likely to be disruptive. In summary, the available evidence is currently insufficient to determine the role of this variant in disease. Therefore, it has been classified as a Variant of Uncertain Significance.